The following is an entry in ClinVar:

ClinVar aggregate classification (germline): Uncertain significance. Review status: criteria provided, multiple submitters, no conflicts (2 of 4 stars). 4 submissions from 4 submitters: Uncertain significance (3). 1 of the submissions does not count toward it. Last evaluated 2024-09-30.

Conditions:
Hereditary breast ovarian cancer syndrome. Also called: Hereditary breast and ovarian cancer; Hereditary breast and ovarian cancer syndrome (HBOC); Hereditary breast and/or ovarian cancer syndrome; Hereditary breast and ovarian cancer syndrome; Breast and ovarian cancer; BRCA1- and BRCA2-Associated Hereditary Breast and Ovarian Cancer. Identifiers: Orphanet 145, MedGen C0677776, MeSH D061325, MONDO:0003582. Disease mechanism: loss of function.
Breast-ovarian cancer, familial, susceptibility to, 2 (BROVCA2). Also called: BRCA2 Hereditary Breast and Ovarian Cancer. Identifiers: Orphanet 145, MedGen C2675520, MONDO:0012933, OMIM 612555. Disease mechanism: loss of function.
Hereditary cancer-predisposing syndrome. Also called: Tumor predisposition; Neoplastic Syndromes, Hereditary; Hereditary Cancer Syndrome; Hereditary neoplastic syndrome. Identifiers: Orphanet 140162, MedGen C0027672, MeSH D009386, MONDO:0015356.

Allele frequency attached by ClinVar (database versions not stated): gnomAD exomes below 0.00001; ExAC 0.00001.
gnomAD v4.1: 1 of 1,612,618 alleles (0.000062%); highest among the groups gnomAD compares: Non-Finnish European, 0.000085%; no homozygotes.

Submissions (4):

Ambry Genetics
Classification: Uncertain significance for Hereditary cancer-predisposing syndrome. Last evaluated: 2024-09-30. Review status: criteria provided, single submitter. Criteria: Ambry Variant Classification Scheme 2023. Collection method: clinical testing. Allele origin: germline.
Comment: The p.D23G variant (also known as c.68A>G) is located in coding exon 2 of the BRCA2 gene. The aspartic acid at codon 23 is replaced by glycine, an amino acid with similar properties. This change occurs in the first base pair of coding exon 2. This amino acid position is conserved. In addition, this alteration is predicted to be tolerated by in silico analysis. Based on the available evidence, the clinical significance of this variant remains unclear.

Labcorp Genetics (formerly Invitae), Labcorp
Classification: Uncertain significance for Hereditary breast ovarian cancer syndrome. Last evaluated: 2021-10-13. Review status: criteria provided, single submitter. Criteria: Invitae Variant Classification Sherloc (09022015). Collection method: clinical testing. Allele origin: germline.
Comment: This sequence change replaces aspartic acid with glycine at codon 23 of the BRCA2 protein (p.Asp23Gly). The aspartic acid residue is highly conserved and there is a moderate physicochemical difference between aspartic acid and glycine. This variant is present in population databases (rs774521832, ExAC 0.002%). This variant has not been reported in the literature in individuals affected with BRCA2-related conditions. ClinVar contains an entry for this variant (Variation ID: 628280). Algorithms developed to predict the effect of missense changes on protein structure and function are either unavailable or do not agree on the potential impact of this missense change (SIFT: "Tolerated"; PolyPhen-2: "Possibly Damaging"; Align-GVGD: "Class C0"). In summary, the available evidence is currently insufficient to determine the role of this variant in disease. Therefore, it has been classified as a Variant of Uncertain Significance.

Color Diagnostics, LLC DBA Color Health
Classification: Uncertain significance for Hereditary cancer-predisposing syndrome. Last evaluated: 2019-04-22. Review status: criteria provided, single submitter. Criteria: ACMG Guidelines, 2015. Collection method: clinical testing. Allele origin: germline.

BRCAlab, Lund University
Classification: Uncertain significance for Breast-ovarian cancer, familial, susceptibility to, 2. Last evaluated: 2020-03-02. Review status: no assertion criteria provided. Collection method: clinical testing. Allele origin: germline. Affected: yes. Not counted in ClinVar's aggregate classification.

NM_000059.4(BRCA2):c.68A>G (p.Asp23Gly)

Gene: BRCA2 (BRCA2 DNA repair associated; plus strand). Cytogenetic location: 13q13.1.
Variant type: single nucleotide variant.
Coding change: c.68A>G on transcript NM_000059.4 (MANE Select); coding-DNA position 68, A replaced by G.
Protein change: p.Asp23Gly; replaces aspartic acid 23 with glycine.
Molecular consequence: missense variant.
Genome position (GRCh38, 1-based): chr13:32,319,077, A>G. VCF-style: chr13-32319077-A-G. GRCh37 (hg19) VCF-style: chr13-32893214-A-G.
Other names: short protein forms D23G.
Identifiers: ClinVar variation 628280 (VCV000628280.11), dbSNP rs774521832, ClinGen allele CA6940320.